The following is an entry in ClinVar:

ClinVar aggregate classification (germline): Conflicting classifications of pathogenicity. Review status: criteria provided, conflicting classifications (1 of 4 stars). 3 submissions from 3 submitters: Uncertain significance (1); Likely benign (2). Last evaluated 2026-07-29.

Conditions:
Inborn genetic diseases. Identifiers: MedGen C0950123, MeSH D030342.
EP300-related disorder. Also called: EP300-related condition; EP300-related disorders.
Rubinstein-Taybi syndrome due to EP300 haploinsufficiency. Also called: EP300-Related Rubinstein-Taybi Syndrome; RUBINSTEIN-TAYBI SYNDROME 2. Identifiers: Orphanet 353284, Orphanet 783, MedGen C3150941, MONDO:0013364, OMIM 613684.

Allele frequency attached by ClinVar (database versions not stated): gnomAD exomes 0.00002; ExAC 0.00003; gnomAD 0.00006 and 0.00007; ESP Exome Variant Server 0.00008; TOPMed 0.00008.
gnomAD v4.1: 17 of 1,607,146 alleles (0.0011%); highest among the groups gnomAD compares: African/African-American, 0.018%; no homozygotes.

Submissions (3):

PreventionGenetics, part of Exact Sciences
Classification: Uncertain significance for EP300-related condition. Last evaluated: 2026-07-29. Review status: criteria provided, single submitter. Criteria: ACMG Guidelines, 2015. Collection method: clinical testing. Allele origin: germline.
Comment: The EP300 c.2245A>G variant is predicted to result in the amino acid substitution p.Met749Val. To our knowledge, this variant has not been reported in the literature. This variant is reported in 0.012% of alleles in individuals of African descent in gnomAD. Although we suspect this variant may be benign, at this time the clinical significance is uncertain due to the absence of conclusive functional and genetic evidence.

Labcorp Genetics (formerly Invitae), Labcorp
Classification: Likely benign for Rubinstein-Taybi syndrome due to EP300 haploinsufficiency. Last evaluated: 2024-11-13. Review status: criteria provided, single submitter. Criteria: Invitae Variant Classification Sherloc (09022015). Collection method: clinical testing. Allele origin: germline.

Ambry Genetics
Classification: Likely benign for Inborn genetic diseases. Last evaluated: 2024-02-26. Review status: criteria provided, single submitter. Criteria: Ambry Variant Classification Scheme 2023. Collection method: clinical testing. Allele origin: germline.

NM_001429.4(EP300):c.2245A>G (p.Met749Val)

Gene: EP300 (EP300 lysine acetyltransferase; plus strand). Cytogenetic location: 22q13.2.
Variant type: single nucleotide variant.
Coding change: c.2245A>G on transcript NM_001429.4 (MANE Select); coding-DNA position 2245, A replaced by G.
Protein change: p.Met749Val; replaces methionine 749 with valine.
Molecular consequence: missense variant.
Genome position (GRCh38, 1-based): chr22:41,149,041, A>G. VCF-style: chr22-41149041-A-G. GRCh37 (hg19) VCF-style: chr22-41545045-A-G.
Other names: c.2167A>G, p.Met723Val (NM_001362843.2); short protein forms M723V, M749V.
Identifiers: ClinVar variation 753661 (VCV000753661.10), dbSNP rs370478867, ClinGen allele CA10252820.